The following is an entry in ClinVar:

NM_002227.4(JAK1):c.*3A>C

Gene: JAK1 (Janus kinase 1; minus strand). Cytogenetic location: 1p31.3.
Variant type: single nucleotide variant.
Coding change: c.*3A>C on transcript NM_002227.4 (MANE Select); 3 bases downstream of the stop codon, A replaced by C.
Molecular consequence: 3 prime UTR variant.
Genome position (GRCh38, 1-based): chr1:64,834,559, T>G on the plus strand (A>C on the coding strand, the complement: JAK1 is on the minus strand). VCF-style: chr1-64834559-T-G. GRCh37 (hg19) VCF-style: chr1-65300242-T-G.
Other names: c.*3A>C (NM_001320923.2, NM_001321852.2, NM_001321853.2 and 4 more transcripts).
Identifiers: ClinVar variation 2629421 (VCV002629421.1), dbSNP rs376914054, ClinGen allele CA892432.

ClinVar aggregate classification (germline): Uncertain significance (1 of 4 stars; one submission).

Conditions:
JAK1-related disorder. Also called: JAK1-related condition.

Allele frequency attached by ClinVar (database versions not stated): ExAC 0.00003; TOPMed 0.00005; ESP Exome Variant Server 0.00008; 1000 Genomes Project 30x 0.00016; 1000 Genomes Project 0.00020.
gnomAD v4.1: 12 of 1,573,682 alleles (0.00076%); highest among the groups gnomAD compares: African/African-American, 0.016%; no homozygotes.

Submission:

PreventionGenetics, part of Exact Sciences
Classification: Uncertain significance for JAK1-related condition. Last evaluated: 2023-04-11. Review status: criteria provided, single submitter. Criteria: ACMG Guidelines, 2015. Collection method: clinical testing. Allele origin: germline.
Comment: The JAK1 c.*3A>C variant is located in the 3' untranslated region. To our knowledge, this variant has not been reported in the literature. This variant is reported in 0.017% of alleles in individuals of African descent in gnomAD. Although we suspect that this variant may be benign, at this time, the clinical significance of this variant is uncertain due to the absence of conclusive functional and genetic evidence.